The following is an entry in ClinVar:

ClinVar aggregate classification (germline): Uncertain significance (1 of 4 stars; one submission).

Conditions:
Primary ciliary dyskinesia. Also called: Ciliary dyskinesia. Identifiers: Orphanet 244, MedGen C0008780, MONDO:0016575, HP:0012265.

gnomAD v4.1: 1 of 1,614,006 alleles (0.000062%); highest among the groups gnomAD compares: Non-Finnish European, 0.000085%; no homozygotes.

Submission:

Labcorp Genetics (formerly Invitae), Labcorp
Classification: Uncertain significance for Primary ciliary dyskinesia. Last evaluated: 2025-02-07. Review status: criteria provided, single submitter. Criteria: Invitae Variant Classification Sherloc (09022015). Collection method: clinical testing. Allele origin: germline.
Comment: This sequence change replaces glycine, which is neutral and non-polar, with arginine, which is basic and polar, at codon 3983 of the DNAH11 protein (p.Gly3983Arg). This variant is not present in population databases (gnomAD no frequency). This variant has not been reported in the literature in individuals affected with DNAH11-related conditions. Invitae Evidence Modeling of protein sequence and biophysical properties (such as structural, functional, and spatial information, amino acid conservation, physicochemical variation, residue mobility, and thermodynamic stability) has been performed for this missense variant. However, the output from this modeling did not meet the statistical confidence thresholds required to predict the impact of this variant on DNAH11 protein function. In summary, the available evidence is currently insufficient to determine the role of this variant in disease. Therefore, it has been classified as a Variant of Uncertain Significance.

NM_001277115.2(DNAH11):c.11947G>A (p.Gly3983Arg)

Gene: DNAH11 (dynein axonemal heavy chain 11; plus strand). Cytogenetic location: 7p15.3.
Variant type: single nucleotide variant.
Coding change: c.11947G>A on transcript NM_001277115.2 (MANE Select); coding-DNA position 11947, G replaced by A.
Protein change: p.Gly3983Arg; replaces glycine 3983 with arginine.
Molecular consequence: missense variant.
Genome position (GRCh38, 1-based): chr7:21,868,971, G>A. VCF-style: chr7-21868971-G-A. GRCh37 (hg19) VCF-style: chr7-21908589-G-A.
Other names: short protein forms G3983R.
Identifiers: ClinVar variation 4775044 (VCV004775044.1).